The following is an entry in ClinVar:

ClinVar aggregate classification (germline): Likely benign. Review status: criteria provided, multiple submitters, no conflicts (2 of 4 stars). 4 submissions from 4 submitters: Likely benign (4). Last evaluated 2025-12-23.

Conditions:
Cardiovascular phenotype. Identifiers: MedGen CN230736.

gnomAD v4.1: 20 of 1,613,494 alleles (0.0012%); highest among the groups gnomAD compares: Admixed American, 0.0067%; no homozygotes.

Submissions (4):

Labcorp Genetics (formerly Invitae), Labcorp
Classification: Likely benign. Last evaluated: 2025-12-23. Review status: criteria provided, single submitter. Criteria: Invitae Variant Classification Sherloc (09022015). Collection method: clinical testing. Allele origin: germline.

Ambry Genetics
Classification: Likely benign for Cardiovascular phenotype. Last evaluated: 2025-08-20. Review status: criteria provided, single submitter. Criteria: Ambry Variant Classification Scheme 2023. Collection method: clinical testing. Allele origin: germline.

Women's Health and Genetics/Laboratory Corporation of America, LabCorp
Classification: Likely benign. Last evaluated: 2025-01-23. Review status: criteria provided, single submitter. Criteria: LabCorp Variant Classification Summary - May 2015. Collection method: clinical testing. Allele origin: germline.
Comment: Variant summary: TNXB c.7398G>T alters a conserved nucleotide resulting in a synonymous change. Consensus agreement among computation tools predict no significant impact on normal splicing. However, these predictions have yet to be confirmed by functional studies. The variant allele was found at a frequency of 1.2e-05 in 248280 control chromosomes (gnomAD). The available data on variant occurrences in the general population are insufficient to allow any conclusion about variant significance. To our knowledge, no occurrence of c.7398G>T in individuals affected with Ehlers-Danlos syndrome due to tenascin-X deficiency and no experimental evidence demonstrating its impact on protein function have been reported. No submitters have cited clinical-significance assessments for this variant to ClinVar. Based on the evidence outlined above, the variant was classified as likely benign.

Blueprint Genetics
Classification: Likely benign. Last evaluated: 2023-01-24. Review status: criteria provided, single submitter. Criteria: ACMG Guidelines, 2015. Collection method: clinical testing. Allele origin: germline.

NM_001365276.2(TNXB):c.7398G>T (p.Val2466=)

Gene: TNXB (tenascin XB; minus strand). Cytogenetic location: 6p21.33.
Variant type: single nucleotide variant.
Coding change: c.7398G>T on transcript NM_001365276.2 (MANE Select); coding-DNA position 7398, G replaced by T.
Protein change: p.Val2466=; no amino-acid change (valine 2466 retained).
Molecular consequence: synonymous variant.
Genome position (GRCh38, 1-based): chr6:32,061,491, C>A on the plus strand (G>T on the coding strand, the complement: TNXB is on the minus strand). VCF-style: chr6-32061491-C-A. GRCh37 (hg19) VCF-style: chr6-32029268-C-A.
Other names: c.7398G>T (NM_019105.6); c.8139G>T, p.Val2713= (NM_001428335.1); c.7398G>T, p.Val2466= (NM_019105.8).
Identifiers: ClinVar variation 3769469 (VCV003769469.5).